The following is an entry in ClinVar:

ClinVar aggregate classification (germline): Uncertain significance (1 of 4 stars; one submission).

Submission:

Labcorp Genetics (formerly Invitae), Labcorp
Classification: Uncertain significance. Last evaluated: 2024-11-13. Review status: criteria provided, single submitter. Criteria: Invitae Variant Classification Sherloc (09022015). Collection method: clinical testing. Allele origin: germline.
Comment: This sequence change replaces glutamic acid, which is acidic and polar, with lysine, which is basic and polar, at codon 1614 of the COL7A1 protein (p.Glu1614Lys). This variant is present in population databases (rs777945918, gnomAD 0.0009%). This variant has not been reported in the literature in individuals affected with COL7A1-related conditions. Invitae Evidence Modeling of protein sequence and biophysical properties (such as structural, functional, and spatial information, amino acid conservation, physicochemical variation, residue mobility, and thermodynamic stability) indicates that this missense variant is not expected to disrupt COL7A1 protein function with a negative predictive value of 95%. In summary, the available evidence is currently insufficient to determine the role of this variant in disease. Therefore, it has been classified as a Variant of Uncertain Significance.

NM_000094.4(COL7A1):c.4840G>A (p.Glu1614Lys)

Gene: COL7A1 (collagen type VII alpha 1 chain; minus strand). Cytogenetic location: 3p21.31.
Variant type: single nucleotide variant.
Coding change: c.4840G>A on transcript NM_000094.4 (MANE Select); coding-DNA position 4840, G replaced by A.
Protein change: p.Glu1614Lys; replaces glutamic acid 1614 with lysine.
Molecular consequence: missense variant.
Genome position (GRCh38, 1-based): chr3:48,581,319, C>T on the plus strand (G>A on the coding strand, the complement: COL7A1 is on the minus strand). VCF-style: chr3-48581319-C-T. GRCh37 (hg19) VCF-style: chr3-48618752-C-T.
Other names: short protein forms E1614K.
Identifiers: ClinVar variation 3610133 (VCV003610133.2).